The following is an entry in ClinVar:

NC_000011.9:g.(?_62105450)_(62124636_?)del

Gene: ASRGL1 (asparaginase and isoaspartyl peptidase 1; plus strand). Cytogenetic location: 11q12.3.
Variant type: Deletion.
Identifiers: ClinVar variation 1410122 (VCV001410122.5).

ClinVar aggregate classification (germline): Uncertain significance (1 of 4 stars; one submission).

Submission:

Labcorp Genetics (formerly Invitae), Labcorp
Classification: Uncertain significance. Last evaluated: 2022-11-28. Review status: criteria provided, single submitter. Criteria: Invitae Variant Classification Sherloc (09022015). Collection method: clinical testing. Allele origin: germline.
Comment: This variant has not been reported in the literature in individuals affected with ASRGL1-related conditions. In summary, the available evidence is currently insufficient to determine the role of this variant in disease. Therefore, it has been classified as a Variant of Uncertain Significance. This variant is a gross deletion of the genomic region encompassing exon(s) 2-4 of the ASRGL1 gene, which includes the initiator codon. This deletion extends beyond the assayed region for this gene and therefore may encompass additional genes. It is expected to result in an absent or disrupted protein product. However, the current clinical and genetic evidence is not sufficient to establish whether loss-of-function variants in ASRGL1 cause disease.